The following is an entry in ClinVar:

ClinVar aggregate classification (germline): Conflicting classifications of pathogenicity. Review status: criteria provided, conflicting classifications (1 of 4 stars). 3 submissions from 3 submitters: Likely pathogenic (1); Uncertain significance (1). 1 of the submissions does not count toward it. Last evaluated 2019-11-11.

Conditions:
Leukodystrophy, hypomyelinating, 18. Identifiers: MedGen C5193078, MONDO:0032730, OMIM 618404.

Submissions (3):

Illumina Laboratory Services, Illumina
Classification: Likely pathogenic for Leukodystrophy, hypomyelinating, 18. Last evaluated: 2019-11-11. Review status: criteria provided, single submitter. Criteria: ICSLVariantClassificationCriteria RUGD 01 April 2020. Collection method: clinical testing. Allele origin: unknown.
Comment: This variant is not observed in version 2.1.1 of the Genome Aggregation Database. The p.His132Arg variant is located in the histidine domain which is suggested to be important for catalytic activity (Pant et al. 2019). Multiple lines of computational evidence suggest the variant may impact the gene or gene product. Based on the available evidence, the c.395A>G (p.His132Arg) variant is classified as likely pathogenic for hypomyelinating leukodystrophy.

SIB Swiss Institute of Bioinformatics
Classification: Uncertain significance for Leukodystrophy, hypomyelinating, 18. Last evaluated: 2019-09-25. Review status: criteria provided, single submitter. Criteria: ACMG Guidelines, 2015. Collection method: curation. Allele origin: unknown.
Comment: This variant is interpreted as a variant of uncertain significance for Leukodystrophy, hypomyelinating, 18, autosomal recessive. The following ACMG Tag(s) were applied: PM2, PP3, PM1-Supporting, PM3-Supporting.

OMIM
Classification: Pathogenic for LEUKODYSTROPHY, HYPOMYELINATING, 18. Last evaluated: 2019-04-30. Review status: no assertion criteria provided. Collection method: literature only. Allele origin: germline. Not counted in ClinVar's aggregate classification.

Literature cited by the submitters: PubMed 30620337 (cited by SIB Swiss Institute of Bioinformatics and OMIM).

NM_003676.4(DEGS1):c.395A>G (p.His132Arg)

Gene: DEGS1 (delta 4-desaturase, sphingolipid 1; plus strand). Cytogenetic location: 1q42.11.
Variant type: single nucleotide variant.
Coding change: c.395A>G on transcript NM_003676.4 (MANE Select); coding-DNA position 395, A replaced by G.
Protein change: p.His132Arg; replaces histidine 132 with arginine.
Molecular consequence: missense variant.
Genome position (GRCh38, 1-based): chr1:224,189,889, A>G. VCF-style: chr1-224189889-A-G. GRCh37 (hg19) VCF-style: chr1-224377591-A-G.
Other names: c.395A>G, p.His132Arg (NM_001321541.2); c.287A>G, p.His96Arg (NM_001321542.2); short protein forms H132R, H96R.
Identifiers: ClinVar variation 626325 (VCV000626325.3), dbSNP rs1558209997, ClinGen allele CA344709213.